The following is an entry in ClinVar:

ClinVar aggregate classification (germline): Benign. Review status: criteria provided, multiple submitters, no conflicts (2 of 4 stars). 20 submissions from 17 submitters: Benign (15). 5 of the submissions do not count toward it. Last evaluated 2026-02-04.

Conditions:
Nephrolithiasis/nephrocalcinosis. Identifiers: MedGen CN580796.
Neonatal severe primary hyperparathyroidism. Identifiers: Orphanet 417, MedGen C1832615, MONDO:0009397, OMIM 239200.
Serum calcium level. Also called: CASR POLYMORPHISM.
Autosomal dominant hypocalcemia 1 (HYPOC1). Also called: HYPOCALCEMIA, FAMILIAL. Identifiers: MedGen C3715128, MONDO:0011013, OMIM 601198.
Familial hypocalciuric hypercalcemia 1. Also called: Hypercalcemia, familial benign type 1. Identifiers: Orphanet 405, Orphanet 93372, MedGen C0342637, MONDO:0007791, OMIM 145980.
Familial hypocalciuric hypercalcemia (FHH). Also called: Familial benign hypercalcemia. Identifiers: Orphanet 405, MedGen C1809471, MONDO:0018458.
Familial hypoparathyroidism. Also called: Familial isolated hypoparathyroidism. Identifiers: Orphanet 2238, MedGen C1832648, MONDO:0016390.
Malignant tumor of breast. Also called: Malignant breast neoplasm; Cancer breast. Identifiers: MedGen C0006142, MONDO:0007254. Disease mechanism: loss of function.

Allele frequency attached by ClinVar (database versions not stated): 1000 Genomes Project 30x 0.09135; 1000 Genomes Project 0.09425; TOPMed 0.10436; gnomAD 0.10682 and 0.10965; ExAC 0.12693; gnomAD exomes 0.12850.
gnomAD v4.1: 212,692 of 1,614,034 alleles (13%); highest among the groups gnomAD compares: Middle Eastern, 27%; 15,629 homozygotes.

Submissions (20):

Labcorp Genetics (formerly Invitae), Labcorp
Classification: Benign for Familial hypocalciuric hypercalcemia; Autosomal dominant hypocalcemia 1. Last evaluated: 2026-02-04. Review status: criteria provided, single submitter. Criteria: Invitae Variant Classification Sherloc (09022015). Collection method: clinical testing. Allele origin: germline.

Dasa
Classification: Benign. Last evaluated: 2025-11-19. Review status: criteria provided, single submitter. Criteria: DASA Assertion Criteria. Collection method: clinical testing. Allele origin: germline.
Comment: NM_000388.4(CASR):c.2956G>T (p.Ala986Ser) is a missense variant that results in the substitution of alanine with serine. Population frequency is inconsistent with a disease-causing role for this variant, and observations in unaffected individuals support a benign interpretation. Therefore, based on the currently available evidence, this variant is classified as benign.

Mayo Clinic Laboratories, Mayo Clinic
Classification: Benign. Last evaluated: 2025-08-18. Review status: criteria provided, single submitter. Criteria: ACMG Guidelines, 2015. Collection method: clinical testing. Allele origin: germline. Observed: 411 variant alleles.
Comment: BA1

Blueprint Genetics
Classification: Benign. Last evaluated: 2024-11-26. Review status: criteria provided, single submitter. Criteria: ACMG Guidelines, 2015. Collection method: clinical testing. Allele origin: germline.

Ambry Genetics
Classification: Benign for Nephrolithiasis/nephrocalcinosis. Last evaluated: 2018-08-30. Review status: criteria provided, single submitter. Criteria: Ambry Variant Classification Scheme 2023. Collection method: clinical testing. Allele origin: germline.

GeneDx
Classification: Benign. Last evaluated: 2017-12-21. Review status: criteria provided, single submitter. Criteria: GeneDx Variant Classification (06012015). Collection method: clinical testing. Allele origin: germline. Affected: yes.
Comment: This variant is considered likely benign or benign based on one or more of the following criteria: it is a conservative change, it occurs at a poorly conserved position in the protein, it is predicted to be benign by multiple in silico algorithms, and/or has population frequency not consistent with disease.

Athena Diagnostics
Classification: Benign. Last evaluated: 2017-07-17. Review status: criteria provided, single submitter. Criteria: Athena Diagnostics Criteria. Collection method: clinical testing. Allele origin: germline.

Laboratory for Molecular Medicine, Mass General Brigham Personalized Medicine
Classification: Benign. Last evaluated: 2017-06-05. Review status: criteria provided, single submitter. Criteria: LMM Criteria. Collection method: clinical testing. Allele origin: germline. Observed: 1 variant allele.
Comment: p.Ala996Ser in exon 7 of CASR: This variant is not expected to have clinical sig nificance because it has been identified in 19.5% (3223/16508) of South Asian ch romosomes by the Exome Aggregation Consortium (ExAC. org; dbSNP rs1801725).

Illumina Laboratory Services, Illumina
Classification: Benign for Familial hypocalciuric hypercalcemia 1. Last evaluated: 2017-04-27. Review status: criteria provided, single submitter. Criteria: ICSL Variant Classification Criteria 13 December 2019. Collection method: clinical testing. Allele origin: germline.
Comment: This variant was observed as part of a predisposition screen in an ostensibly healthy population. A literature search was performed for the gene, cDNA change, and amino acid change (where applicable). Publications were found based on this search. The evidence from the literature, in combination with allele frequency data from public databases where available, was sufficient to rule this variant out of causing disease. Therefore, this variant is classified as benign.

Illumina Laboratory Services, Illumina
Classification: Benign for Familial isolated hypoparathyroidism. Last evaluated: 2017-04-27. Review status: criteria provided, single submitter. Criteria: ICSL Variant Classification Criteria 13 December 2019. Collection method: clinical testing. Allele origin: germline.
Comment: This variant was observed as part of a predisposition screen in an ostensibly healthy population. A literature search was performed for the gene, cDNA change, and amino acid change (where applicable). No publications were found based on this search. Allele frequency data from public databases was too high to be consistent with this variant causing disease. Therefore, this variant is classified as benign.

Illumina Laboratory Services, Illumina
Classification: Benign for Neonatal severe primary hyperparathyroidism. Last evaluated: 2017-04-27. Review status: criteria provided, single submitter. Criteria: ICSL Variant Classification Criteria 13 December 2019. Collection method: clinical testing. Allele origin: germline.
Comment: the same text as in the submission from Illumina Laboratory Services, Illumina above.

Illumina Laboratory Services, Illumina
Classification: Benign for Autosomal dominant hypocalcemia 1. Last evaluated: 2017-04-27. Review status: criteria provided, single submitter. Criteria: ICSL Variant Classification Criteria 13 December 2019. Collection method: clinical testing. Allele origin: germline.
Comment: the same text as in the submission from Illumina Laboratory Services, Illumina above.

Eurofins Ntd Llc (ga)
Classification: Benign. Last evaluated: 2014-04-07. Review status: criteria provided, single submitter. Criteria: EGL Classification Definitions 2015. Collection method: clinical testing. Allele origin: germline. Observed: 2 variant alleles, 2 heterozygotes.

Breakthrough Genomics
Classification: Benign. Review status: criteria provided, single submitter. Criteria: ACMG Guidelines, 2015. Collection method: not provided. Allele origin: germline. Inheritance: Autosomal recessive inheritance. Affected: yes.

PreventionGenetics, part of Exact Sciences
Classification: Benign. Review status: criteria provided, single submitter. Criteria: ACMG Guidelines, 2015. Collection method: clinical testing. Allele origin: germline.

OMIM
Classification: association for CASR POLYMORPHISM. Last evaluated: 2018-07-25. Review status: no assertion criteria provided. Collection method: literature only. Allele origin: germline. Not counted in ClinVar's aggregate classification.

Center of Medical Genetics and Primary Health Care
Classification: Benign for Breast Cancer. Review status: no assertion criteria provided. Collection method: clinical testing. Allele origin: germline. Affected: yes. Not counted in ClinVar's aggregate classification.

Diagnostic Laboratory, Department of Genetics, University Medical Center Groningen
Classification: Benign. Review status: no assertion criteria provided. Collection method: clinical testing. Allele origin: germline. Affected: yes. Study: VKGL Data-share Consensus. Not counted in ClinVar's aggregate classification.

Genome Diagnostics Laboratory, University Medical Center Utrecht
Classification: Benign. Review status: no assertion criteria provided. Collection method: clinical testing. Allele origin: germline. Affected: yes. Study: VKGL Data-share Consensus. Not counted in ClinVar's aggregate classification.

Joint Genome Diagnostic Labs from Nijmegen and Maastricht, Radboudumc and MUMC+
Classification: Benign. Review status: no assertion criteria provided. Collection method: clinical testing. Allele origin: germline. Affected: yes. Study: VKGL Data-share Consensus. Not counted in ClinVar's aggregate classification.

Literature cited by the submitters: PubMed 10023897 (cited by Athena Diagnostics and OMIM); PubMed 10217111 (cited by Athena Diagnostics); PubMed 10912749 (cited by Athena Diagnostics); PubMed 11161843 (cited by 3 submitters); PubMed 11248745 (cited by Athena Diagnostics); PubMed 11580999 (cited by Athena Diagnostics); PubMed 11733622 (cited by Athena Diagnostics); PubMed 12018449 (cited by Athena Diagnostics); PubMed 12040821 (cited by Athena Diagnostics); PubMed 12052452 (cited by Athena Diagnostics); PubMed 12239240 (cited by Athena Diagnostics); PubMed 12574201 (cited by Athena Diagnostics); PubMed 14508624 (cited by Athena Diagnostics); PubMed 14997007 (cited by Athena Diagnostics); PubMed 15531522 (cited by Athena Diagnostics and OMIM); PubMed 15864123 (cited by Athena Diagnostics); PubMed 16497624 (cited by Athena Diagnostics); PubMed 17018660 (cited by Athena Diagnostics); PubMed 17117288 (cited by Athena Diagnostics); PubMed 17309124 (cited by Athena Diagnostics); PubMed 17320849 (cited by Athena Diagnostics); PubMed 17332735 (cited by Athena Diagnostics); PubMed 17555508 (cited by Athena Diagnostics); PubMed 17698911 (cited by Athena Diagnostics); PubMed 18328986 (cited by Athena Diagnostics); PubMed 18680227 (cited by Athena Diagnostics); PubMed 8636323 (cited by Athena Diagnostics); PubMed 26107257 (cited by Laboratory for Molecular Medicine, Mass General Brigham Personalized Medicine); PubMed 25705702 (cited by Laboratory for Molecular Medicine, Mass General Brigham Personalized Medicine); PubMed 20602573 (cited by Laboratory for Molecular Medicine, Mass General Brigham Personalized Medicine); PubMed 19694204 (cited by Illumina Laboratory Services, Illumina); PubMed 22024717 (cited by Illumina Laboratory Services, Illumina).

NM_000388.4(CASR):c.2956G>T (p.Ala986Ser)

Gene: CASR (calcium sensing receptor; plus strand). Cytogenetic location: 3q21.1.
Variant type: single nucleotide variant.
Coding change: c.2956G>T on transcript NM_000388.4 (MANE Select); coding-DNA position 2956, G replaced by T.
Protein change: p.Ala986Ser; replaces alanine 986 with serine.
Molecular consequence: missense variant.
Genome position (GRCh38, 1-based): chr3:122,284,910, G>T. VCF-style: chr3-122284910-G-T. GRCh37 (hg19) VCF-style: chr3-122003757-G-T.
Other names: c.2986G>T, p.Ala996Ser (NM_001178065.2); short protein forms A986S, A996S.
Identifiers: ClinVar variation 8349 (VCV000008349.38), dbSNP rs1801725, ClinGen allele CA119531.
Genomic context (GRCh38, chr3:122,284,910, plus strand): 5'-GTCATCTTTGGCAGCGGCACGGTCACCTTCTCACTGAGCTTTGATGAGCCTCAGAAGAAC[G>T]CCATGGCCCACAGGAATTCTACGCACCAGAACTCCCTGGAGGCCCAGAAAAGCAGCGATA-3'
Protein context (NP_000379.3, residues 976-996): SLSFDEPQKN[Ala986Ser]MAHRNSTHQN